The following is an entry in ClinVar:

ClinVar aggregate classification (germline): Uncertain significance (1 of 4 stars; one submission).

Conditions:
Acrocallosal syndrome (ACLS). Also called: HALLUX DUPLICATION, POSTAXIAL POLYDACTYLY, AND ABSENCE OF CORPUS CALLOSUM; Schinzel syndrome 1; Absence of corpus callosum with unusual facial appearance, mental deficiency, duplication of the halluces and polydactyly. Identifiers: Orphanet 36, MedGen C0796147, MONDO:0008708, OMIM 200990.

Submission:

Labcorp Genetics (formerly Invitae), Labcorp
Classification: Uncertain significance for Acrocallosal syndrome. Last evaluated: 2022-07-12. Review status: criteria provided, single submitter. Criteria: Invitae Variant Classification Sherloc (09022015). Collection method: clinical testing. Allele origin: germline.
Comment: This variant has not been reported in the literature in individuals affected with KIF7-related conditions. This variant is not present in population databases (gnomAD no frequency). This sequence change falls in intron 2 of the KIF7 gene. It does not directly change the encoded amino acid sequence of the KIF7 protein. Algorithms developed to predict the effect of sequence changes on RNA splicing suggest that this variant may disrupt the consensus splice site. In summary, the available evidence is currently insufficient to determine the role of this variant in disease. Therefore, it has been classified as a Variant of Uncertain Significance.

NM_198525.3(KIF7):c.329-5C>A

Gene: KIF7 (kinesin family member 7; minus strand). Cytogenetic location: 15q26.1.
Variant type: single nucleotide variant.
Coding change: c.329-5C>A on transcript NM_198525.3 (MANE Select); 5 bases into the intron before coding-DNA position 329, C replaced by A.
Molecular consequence: intron variant.
Genome position (GRCh38, 1-based): chr15:89,649,946, G>T on the plus strand (C>A on the coding strand, the complement: KIF7 is on the minus strand). VCF-style: chr15-89649946-G-T. GRCh37 (hg19) VCF-style: chr15-90193177-G-T.
Identifiers: ClinVar variation 2016331 (VCV002016331.4), dbSNP rs1432254187, ClinGen allele CA2580090207.